The following is an entry in ClinVar:

NM_001244008.2(KIF1A):c.5332C>T (p.Arg1778Trp)

Gene: KIF1A (kinesin family member 1A; minus strand). Cytogenetic location: 2q37.3.
Variant type: single nucleotide variant.
Coding change: c.5332C>T on transcript NM_001244008.2 (MANE Select); coding-DNA position 5332, C replaced by T.
Protein change: p.Arg1778Trp; replaces arginine 1778 with tryptophan.
Molecular consequence: missense variant.
Genome position (GRCh38, 1-based): chr2:240,718,051, G>A on the plus strand (C>T on the coding strand, the complement: KIF1A is on the minus strand). VCF-style: chr2-240718051-G-A. GRCh37 (hg19) VCF-style: chr2-241657468-G-A.
Other names: c.5155C>T, p.Arg1719Trp (NM_001379635.1, NM_001379646.1); c.5143C>T, p.Arg1715Trp (NM_001379636.1); c.5104C>T, p.Arg1702Trp (NM_001379637.1); c.5080C>T, p.Arg1694Trp (NM_001379638.1); c.5053C>T, p.Arg1685Trp (NM_001379639.1); c.5026C>T, p.Arg1676Trp (NM_001379640.1); c.4993C>T, p.Arg1665Trp (NM_001379641.1); c.5332C>T, p.Arg1778Trp (NM_001379642.1); and 8 more; short protein forms R1711W, R1778W, R1677W, R1695W, R1686W, R1665W, R1676W, R1685W.
Identifiers: ClinVar variation 655534 (VCV000655534.14), dbSNP rs765668490, ClinGen allele CA2207110.

ClinVar aggregate classification (germline): Uncertain significance. Review status: criteria provided, multiple submitters, no conflicts (2 of 4 stars). 5 submissions from 5 submitters: Uncertain significance (5). Last evaluated 2026-07-09.

Conditions:
KIF1A-related disorder. Also called: KIF1A-related disorders; KIF1A-related condition.
Neuropathy, hereditary sensory, type 2C. Also called: Hereditary sensory and autonomic neuropathy type IIC; KIF1A-Related HSAN2 (HSAN2C). Identifiers: Orphanet 970, MedGen C3280168, MONDO:0013634, OMIM 614213.
Hereditary spastic paraplegia 30. Identifiers: Orphanet 101010, MedGen C5235139, MONDO:0012476.
Intellectual disability, autosomal dominant 9 (NESCAVS). Also called: KIF1A-Related Neurodevelopmental Disorder; NESCAV SYNDROME. Identifiers: Orphanet 662367, MedGen C5393830, MONDO:0013656, OMIM 614255.

Allele frequency attached by ClinVar (database versions not stated): ExAC 0.00003; gnomAD exomes 0.00003; TOPMed 0.00008; gnomAD 0.00009.
gnomAD v4.1: 104 of 1,600,752 alleles (0.0065%); highest among the groups gnomAD compares: Non-Finnish European, 0.0074%; no homozygotes.

Submissions (5):

PreventionGenetics, part of Exact Sciences
Classification: Uncertain significance for KIF1A-related condition. Last evaluated: 2026-07-09. Review status: criteria provided, single submitter. Criteria: ACMG Guidelines, 2015. Collection method: clinical testing. Allele origin: germline.
Comment: The KIF1A c.5332C>T variant is predicted to result in the amino acid substitution p.Arg1778Trp. This variant has been reported in the heterozygous state in two siblings from one family with Charcot-Marie-Tooth disease (Ferese et al. 2021. PubMed ID: 34354735). This variant is reported in 0.018% of alleles in individuals of African descent in gnomAD. At this time, the clinical significance of this variant is uncertain due to the absence of conclusive functional and genetic evidence.

Labcorp Genetics (formerly Invitae), Labcorp
Classification: Uncertain significance for Hereditary spastic paraplegia 30; Neuropathy, hereditary sensory, type 2C; Intellectual disability, autosomal dominant 9. Last evaluated: 2025-12-20. Review status: criteria provided, single submitter. Criteria: Invitae Variant Classification Sherloc (09022015). Collection method: clinical testing. Allele origin: germline.
Comment: This sequence change replaces arginine, which is basic and polar, with tryptophan, which is neutral and slightly polar, at codon 1677 of the KIF1A protein (p.Arg1677Trp). This variant is present in population databases (rs765668490, gnomAD 0.02%). This missense change has been observed in individual(s) with clinical features of KIF1A-related conditions (PMID: 34354735; internal data). This variant is also known as p.Arg1778Trp. ClinVar contains an entry for this variant (Variation ID: 655534). An algorithm developed to predict the effect of missense changes on protein structure and function (PolyPhen-2) suggests that this variant is likely to be tolerated. In summary, the available evidence is currently insufficient to determine the role of this variant in disease. Therefore, it has been classified as a Variant of Uncertain Significance.

GeneDx
Classification: Uncertain significance. Last evaluated: 2023-04-10. Review status: criteria provided, single submitter. Criteria: GeneDx Variant Classification Process June 2021. Collection method: clinical testing. Allele origin: germline. Affected: yes.
Comment: In silico analysis, which includes protein predictors and evolutionary conservation, supports a deleterious effect; In silico analysis suggests this variant may impact gene splicing. In the absence of RNA/functional studies, the actual effect of this sequence change is unknown.; Reported as p.(R1778W) in an individual with neuropathy, mild hyposthenia of the distal musculature, and hearing loss (Ferese et al., 2021); This variant is associated with the following publications: (PMID: 34354735)

UNC Molecular Genetics  Laboratory, University of North Carolina at Chapel Hill
Classification: Uncertain significance for Hereditary spastic paraplegia 30. Last evaluated: 2022-02-22. Review status: criteria provided, single submitter. Criteria: ACMG Guidelines, 2015. Collection method: research. Allele origin: unknown. Observed: 1 variant allele. Study: CSER_NCGENES_2.
Comment: KIF1A c.5332C>T p.(Arg1778Trp) is a missense variant which is predicted to change a single amino acid from an arginine to tryptophan. This variant is observed in gnomAD v2.1.1 with a total minor allele frequency of 0.003% (9 alleles/266,424 alleles, 0 homozygotes) and was reported previously in a heterozygous individual presenting with neuropathy, mild hyposthenia of distal musculature and hearing loss (PMID 34354735). In the absence of additional clinical or functional data, this variant is classified as a variant of uncertain significance.

Athena Diagnostics
Classification: Uncertain significance. Last evaluated: 2021-12-16. Review status: criteria provided, single submitter. Criteria: Athena Diagnostics Criteria. Collection method: clinical testing. Allele origin: unknown.

Literature cited by the submitters: PubMed 34354735 (cited by Labcorp Genetics (formerly Invitae), Labcorp and Athena Diagnostics).